The following is an entry in ClinVar:

NM_001001557.4(GDF6):c.72_73delinsTT (p.Gln24_Gln25delinsHisTer)

Gene: GDF6 (growth differentiation factor 6; minus strand). Cytogenetic location: 8q22.1.
Variant type: Indel.
Coding change: c.72_73delinsTT on transcript NM_001001557.4 (MANE Select); coding-DNA positions 72 to 73, GC replaced by TT.
Protein change: p.Gln24_Gln25delinsHisTer.
Molecular consequence: nonsense.
Genome position (GRCh38, 1-based): chr8:96,160,620-96,160,621, GC replaced by AA on the plus strand (GC replaced by TT on the coding strand, the reverse complement: GDF6 is on the minus strand). VCF-style: chr8-96160620-GC-AA. GRCh37 (hg19) VCF-style: chr8-97172848-GC-AA.
Identifiers: ClinVar variation 4788027 (VCV004788027.1).

ClinVar aggregate classification (germline): Uncertain significance (1 of 4 stars; one submission).

Conditions:
Klippel-Feil syndrome 1, autosomal dominant (KFS1). Also called: CERVICAL VERTEBRAL FUSION, AUTOSOMAL DOMINANT. Identifiers: Orphanet 2345, MedGen C1861689, MONDO:0007306, OMIM 118100.
Isolated microphthalmia 4. Identifiers: Orphanet 2542, MedGen C2751307, MONDO:0013130, OMIM 613094.
Microphthalmia, isolated, with coloboma 6 (MCOPCB6). Also called: Microphthalmia with coloboma 6, digenic; Microphthalmia with coloboma 6; MICROPHTHALMIA/COLOBOMA 6. Identifiers: Orphanet 98938, MedGen C3150968, MONDO:0013376, OMIM 613703.
Leber congenital amaurosis 17 (LCA17). Identifiers: Orphanet 65, MedGen C3715164, MONDO:0014145, OMIM 615360.

Submission:

Labcorp Genetics (formerly Invitae), Labcorp
Classification: Uncertain significance for Isolated microphthalmia 4; Leber congenital amaurosis 17; Klippel-Feil syndrome 1, autosomal dominant; Microphthalmia, isolated, with coloboma 6. Last evaluated: 2025-11-18. Review status: criteria provided, single submitter. Criteria: Invitae Variant Classification Sherloc (09022015). Collection method: clinical testing. Allele origin: germline.
Comment: This sequence change creates a premature translational stop signal (p.Gln24delinsHis*) in the GDF6 gene. It is expected to result in an absent or disrupted protein product. However, the current clinical and genetic evidence is not sufficient to establish whether loss-of-function variants in GDF6 cause disease. Information on the frequency of this variant in the gnomAD database is not available, as this variant may be reported differently in the database. This variant has not been reported in the literature in individuals affected with GDF6-related conditions. In summary, the available evidence is currently insufficient to determine the role of this variant in disease. Therefore, it has been classified as a Variant of Uncertain Significance.